The following is an entry in ClinVar:

ClinVar aggregate classification (germline): Pathogenic (1 of 4 stars; one submission).

Submission:

Labcorp Genetics (formerly Invitae), Labcorp
Classification: Pathogenic. Last evaluated: 2024-04-14. Review status: criteria provided, single submitter. Criteria: Invitae Variant Classification Sherloc (09022015). Collection method: clinical testing. Allele origin: germline.
Comment: This sequence change creates a premature translational stop signal (p.Gln170*) in the HNF1A gene. It is expected to result in an absent or disrupted protein product. Loss-of-function variants in HNF1A are known to be pathogenic (PMID: 15928245, 18003757). This variant is not present in population databases (gnomAD no frequency). This premature translational stop signal has been observed in individual(s) with HNF1A-related conditions (PMID: 36227502). Algorithms developed to predict the effect of variants on protein structure and function are not available or were not evaluated for this variant. Experimental studies have shown that this premature translational stop signal affects HNF1A function (PMID: 32017842). Algorithms developed to predict the effect of sequence changes on RNA splicing suggest that this variant may create or strengthen a splice site. For these reasons, this variant has been classified as Pathogenic.

Literature cited by the submitters: PubMed 15928245; PubMed 18003757; PubMed 36227502; PubMed 32017842.

NM_000545.8(HNF1A):c.508C>T (p.Gln170Ter)

Gene: HNF1A (HNF1 homeobox A; plus strand). Cytogenetic location: 12q24.31.
Variant type: single nucleotide variant.
Coding change: c.508C>T on transcript NM_000545.8 (MANE Select); coding-DNA position 508, C replaced by T.
Protein change: p.Gln170Ter; replaces glutamine 170 with a stop codon.
Molecular consequence: nonsense.
Genome position (GRCh38, 1-based): chr12:120,989,014, C>T. VCF-style: chr12-120989014-C-T. GRCh37 (hg19) VCF-style: chr12-121426817-C-T.
Other names: c.508C>T, p.Gln170Ter (NM_001306179.2, NM_001406915.1); short protein forms Q170*.
Identifiers: ClinVar variation 3615874 (VCV003615874.2).